The following is an entry in ClinVar:

ClinVar aggregate classification (germline): Uncertain significance. Review status: criteria provided, multiple submitters, no conflicts (2 of 4 stars). 3 submissions from 3 submitters: Uncertain significance (3). Last evaluated 2024-12-04.

Conditions:
Tuberous sclerosis 1 (TSC1). Identifiers: Orphanet 805, MedGen C1854465, MONDO:0008612, OMIM 191100.
Hereditary cancer-predisposing syndrome. Also called: Neoplastic Syndromes, Hereditary; Hereditary neoplastic syndrome; Hereditary Cancer Syndrome; Tumor predisposition. Identifiers: Orphanet 140162, MedGen C0027672, MeSH D009386, MONDO:0015356.

Submissions (3):

Ambry Genetics
Classification: Uncertain significance for Hereditary cancer-predisposing syndrome. Last evaluated: 2024-12-04. Review status: criteria provided, single submitter. Criteria: Ambry Variant Classification Scheme 2023. Collection method: clinical testing. Allele origin: germline.

Labcorp Genetics (formerly Invitae), Labcorp
Classification: Uncertain significance for Tuberous sclerosis 1. Last evaluated: 2024-05-15. Review status: criteria provided, single submitter. Criteria: Invitae Variant Classification Sherloc (09022015). Collection method: clinical testing. Allele origin: germline.
Comment: This sequence change replaces alanine, which is neutral and non-polar, with glycine, which is neutral and non-polar, at codon 983 of the TSC1 protein (p.Ala983Gly). This variant is not present in population databases (gnomAD no frequency). This variant has not been reported in the literature in individuals affected with TSC1-related conditions. ClinVar contains an entry for this variant (Variation ID: 1405411). Advanced modeling of protein sequence and biophysical properties (such as structural, functional, and spatial information, amino acid conservation, physicochemical variation, residue mobility, and thermodynamic stability) performed at Invitae indicates that this missense variant is not expected to disrupt TSC1 protein function with a negative predictive value of 95%. In summary, the available evidence is currently insufficient to determine the role of this variant in disease. Therefore, it has been classified as a Variant of Uncertain Significance.

GeneDx
Classification: Uncertain significance. Last evaluated: 2022-03-23. Review status: criteria provided, single submitter. Criteria: GeneDx Variant Classification Process June 2021. Collection method: clinical testing. Allele origin: germline. Affected: yes.
Comment: Not observed at significant frequency in large population cohorts (gnomAD); In silico analysis supports that this missense variant does not alter protein structure/function; Has not been previously published as pathogenic or benign to our knowledge; This variant is associated with the following publications: (PMID: 18466115)

NM_000368.5(TSC1):c.2948C>G (p.Ala983Gly)

Gene: TSC1 (TSC complex subunit 1; minus strand). Cytogenetic location: 9q34.13.
Variant type: single nucleotide variant.
Coding change: c.2948C>G on transcript NM_000368.5 (MANE Select); coding-DNA position 2948, C replaced by G.
Protein change: p.Ala983Gly; replaces alanine 983 with glycine.
Molecular consequence: missense variant.
Genome position (GRCh38, 1-based): chr9:132,897,211, G>C on the plus strand (C>G on the coding strand, the complement: TSC1 is on the minus strand). VCF-style: chr9-132897211-G-C. GRCh37 (hg19) VCF-style: chr9-135772598-G-C.
Other names: c.2945C>G, p.Ala982Gly (NM_001162426.2); c.2795C>G, p.Ala932Gly (NM_001162427.2); c.2585C>G, p.Ala862Gly (NM_001362177.2); short protein forms A982G, A983G, A932G, A862G.
Identifiers: ClinVar variation 1405411 (VCV001405411.8), dbSNP rs2131623702, ClinGen allele CA375368337.
Genomic context (GRCh38, chr9:132,897,211, plus strand): 5'-TCCCAAGGTCATGAATCAGTTCTTTGTTCCTACCTTTCTTCTGCTGCTTCAGCTGCTTCT[G>C]CTTTTTCTTCTTCAAGTTTTTTCAGGAGGCCATCTTTCTCCAACCTGCCATATAAATCTA-3'
Protein context (NP_000359.1, residues 973-993): GLLKKLEEEK[Ala983Gly]EAAEAAEERL